The following is an entry in ClinVar:

NM_144672.4(OTOA):c.1950G>A (p.Trp650Ter)

Gene: OTOA (otoancorin). Cytogenetic location: 16p12.2.
Variant type: single nucleotide variant.
Coding change: c.1950G>A on transcript NM_144672.4 (MANE Select); coding-DNA position 1950, G replaced by A.
Protein change: p.Trp650Ter; replaces tryptophan 650 with a stop codon.
Molecular consequence: nonsense.
Genome position (GRCh38, 1-based): chr16:21,726,592, G>A. VCF-style: chr16-21726592-G-A. GRCh37 (hg19) VCF-style: chr16-21737913-G-A.
Other names: c.1713G>A, p.Trp571Ter (NM_001161683.2); c.978G>A, p.Trp326Ter (NM_170664.3); short protein forms W571*, W650*, W326*.
Identifiers: ClinVar variation 2775542 (VCV002775542.3), dbSNP rs2507058446, ClinGen allele CA395061736.
Genomic context (GRCh38, chr16:21,726,592, plus strand): 5'-CCTGGCTTCTGTCCCAGCCTCCCAGTGTGTGCCCTTTCTGATCAGCCTGGGGAAGAGCTG[G>A]TTGGACTCCTTGGTTTTAGATTCCCACAAAAAGACTTCAGTCCTCAGGAAAGTGCAGCAG-3'

ClinVar aggregate classification (germline): Pathogenic (1 of 4 stars; one submission).

Submission:

Labcorp Genetics (formerly Invitae), Labcorp
Classification: Pathogenic. Last evaluated: 2024-03-27. Review status: criteria provided, single submitter. Criteria: Invitae Variant Classification Sherloc (09022015). Collection method: clinical testing. Allele origin: germline.
Comment: This sequence change creates a premature translational stop signal (p.Trp650*) in the OTOA gene. It is expected to result in an absent or disrupted protein product. Loss-of-function variants in OTOA are known to be pathogenic (PMID: 11972037). This variant is not present in population databases (gnomAD no frequency). This variant has not been reported in the literature in individuals affected with OTOA-related conditions. For these reasons, this variant has been classified as Pathogenic.

Literature cited by the submitters: PubMed 11972037.